The following is an entry in ClinVar:

NM_000350.3(ABCA4):c.4318T>G (p.Phe1440Val)

Gene: ABCA4 (ATP binding cassette subfamily A member 4; minus strand). Cytogenetic location: 1p22.1.
Variant type: single nucleotide variant.
Coding change: c.4318T>G on transcript NM_000350.3 (MANE Select); coding-DNA position 4318, T replaced by G.
Protein change: p.Phe1440Val; replaces phenylalanine 1440 with valine.
Molecular consequence: missense variant.
Genome position (GRCh38, 1-based): chr1:94,030,462, A>C on the plus strand (T>G on the coding strand, the complement: ABCA4 is on the minus strand). VCF-style: chr1-94030462-A-C. GRCh37 (hg19) VCF-style: chr1-94496018-A-C.
Other names: c.4096T>G, p.Phe1366Val (NM_001425324.1); short protein forms F1440V, F1366V.
Identifiers: ClinVar variation 99276 (VCV000099276.6), dbSNP rs61752433, ClinGen allele CA227183.

ClinVar aggregate classification (germline): Likely pathogenic. Review status: criteria provided, multiple submitters, no conflicts (2 of 4 stars). 3 submissions from 3 submitters: Likely pathogenic (2). 1 of the submissions does not count toward it. Last evaluated 2024-09-22.

Conditions:
ABCA4-related disorder. Also called: ABCA4-related disorders; ABCA4-related condition. Identifiers: MedGen CN239167.

Submissions (3):

Labcorp Genetics (formerly Invitae), Labcorp
Classification: Likely pathogenic. Last evaluated: 2024-09-22. Review status: criteria provided, single submitter. Criteria: Invitae Variant Classification Sherloc (09022015). Collection method: clinical testing. Allele origin: germline.
Comment: This sequence change replaces phenylalanine, which is neutral and non-polar, with valine, which is neutral and non-polar, at codon 1440 of the ABCA4 protein (p.Phe1440Val). This variant is not present in population databases (gnomAD no frequency). This missense change has been observed in individual(s) with clinical features of Stargardt disease (PMID: 10958763, 35120629; internal data). ClinVar contains an entry for this variant (Variation ID: 99276). Invitae Evidence Modeling of protein sequence and biophysical properties (such as structural, functional, and spatial information, amino acid conservation, physicochemical variation, residue mobility, and thermodynamic stability) has been performed for this missense variant. However, the output from this modeling did not meet the statistical confidence thresholds required to predict the impact of this variant on ABCA4 protein function. This variant disrupts the p.Phe1440 amino acid residue in ABCA4. Other variant(s) that disrupt this residue have been determined to be pathogenic (PMID: 28041643). This suggests that this residue is clinically significant, and that variants that disrupt this residue are likely to be disease-causing. In summary, the currently available evidence indicates that the variant is pathogenic, but additional data are needed to prove that conclusively. Therefore, this variant has been classified as Likely Pathogenic.

Blueprint Genetics
Classification: Likely pathogenic for ABCA4-related disorders. Last evaluated: 2022-08-18. Review status: criteria provided, single submitter. Criteria: ACMG Guidelines, 2015. Collection method: clinical testing. Allele origin: germline. Affected: yes. Observed: 2 variant alleles.

Retina International
No classification provided. Review status: no classification provided. Collection method: not provided. Allele origin: not provided. Not counted in ClinVar's aggregate classification.

Literature cited by the submitters: PubMed 10958763 (cited by Labcorp Genetics (formerly Invitae), Labcorp); PubMed 35120629 (cited by Labcorp Genetics (formerly Invitae), Labcorp); PubMed 28041643 (cited by Labcorp Genetics (formerly Invitae), Labcorp).